The following is an entry in ClinVar:

ClinVar aggregate classification (germline): Uncertain significance. Review status: criteria provided, multiple submitters, no conflicts (2 of 4 stars). 2 submissions from 2 submitters: Uncertain significance (2). Last evaluated 2025-12-22.

Conditions:
SEMA3F-related disorder. Also called: SEMA3F-related condition.
Hypogonadotropic hypogonadism. Also called: Low gonadotropins (secondary hypogonadism); Hypogonadotrophic hypogonadism; Isolated hypogonadotropic hypogonadism; Hypogonadotropic hypogonadism with or without anosmia. Identifiers: Orphanet 432, MedGen C0271623, MONDO:0018555, HP:0000044.

Allele frequency attached by ClinVar (database versions not stated): gnomAD exomes 0.00002 and 0.00004; TOPMed 0.00002; gnomAD 0.00003; ExAC 0.00006; ESP Exome Variant Server 0.00008; 1000 Genomes Project 30x 0.00031; 1000 Genomes Project 0.00040.
gnomAD v4.1: 26 of 1,611,964 alleles (0.0016%); highest among the groups gnomAD compares: South Asian, 0.0088%; no homozygotes.

Submissions (2):

PreventionGenetics, part of Exact Sciences
Classification: Uncertain significance for SEMA3F-related condition. Last evaluated: 2025-12-22. Review status: criteria provided, single submitter. Criteria: ACMG Guidelines, 2015. Collection method: clinical testing. Allele origin: germline.
Comment: The SEMA3F c.86C>T variant is predicted to result in the amino acid substitution p.Thr29Met. This variant was reported in an individual with hypogonadotropic hypogonadism and obesity, and functional studies indicated that this variant may impair protein secretion (Kotan et al. 2021. PubMed ID: 33495532). This variant is reported in 0.016% of alleles in individuals of South Asian descent in gnomAD. At this time, the clinical significance of this variant is uncertain due to the absence of conclusive functional and genetic evidence.

Department of Pediatric Endocrinology, Cukurova University Medical Faculty
Classification: Uncertain significance for Hypogonadotropic hypogonadism with or without anosmia. Review status: criteria provided, single submitter. Criteria: ACMG Guidelines, 2015. Collection method: research. Allele origin: maternal. Inheritance: Oligogenic inheritance. Affected: yes. Observed: 1 heterozygote.

NM_004186.5(SEMA3F):c.86C>T (p.Thr29Met)

Gene: SEMA3F (semaphorin 3F; plus strand). Cytogenetic location: 3p21.31.
Variant type: single nucleotide variant.
Coding change: c.86C>T on transcript NM_004186.5 (MANE Select); coding-DNA position 86, C replaced by T.
Protein change: p.Thr29Met; replaces threonine 29 with methionine.
Molecular consequence: missense variant. On other transcripts: 5 prime UTR variant (1).
Genome position (GRCh38, 1-based): chr3:50,159,708, C>T. VCF-style: chr3-50159708-C-T. GRCh37 (hg19) VCF-style: chr3-50197141-C-T.
Other names: c.86C>T (NM_004186.4); c.-119C>T (NM_001318798.2); c.86C>T, p.Thr29Met (NM_001318800.2); short protein forms T29M.
Identifiers: ClinVar variation 982047 (VCV000982047.3), dbSNP rs141286158, ClinGen allele CA2411616.